The following is an entry in ClinVar:

NM_152713.5(STT3A):c.88+7G>T

Gene: STT3A (STT3 oligosaccharyltransferase complex catalytic subunit A; plus strand). Cytogenetic location: 11q24.2.
Variant type: single nucleotide variant.
Coding change: c.88+7G>T on transcript NM_152713.5 (MANE Select); 7 bases into the intron after coding-DNA position 88, G replaced by T.
Molecular consequence: intron variant.
Genome position (GRCh38, 1-based): chr11:125,596,010, G>T. VCF-style: chr11-125596010-G-T. GRCh37 (hg19) VCF-style: chr11-125465905-G-T.
Other names: c.88+7G>T (NM_001278503.2); c.-188-1049G>T (NM_001278504.2).
Identifiers: ClinVar variation 380013 (VCV000380013.11), dbSNP rs79017058, ClinGen allele CA6348732.

ClinVar aggregate classification (germline): Benign. Review status: criteria provided, multiple submitters, no conflicts (2 of 4 stars). 3 submissions from 3 submitters: Benign (3). Last evaluated 2026-02-01.

Allele frequency attached by ClinVar (database versions not stated): 1000 Genomes Project 0.05831; ExAC 0.05993; 1000 Genomes Project 30x 0.06074; gnomAD 0.06906 and 0.07232; TOPMed 0.07265; ESP Exome Variant Server 0.07546; gnomAD exomes 0.05597.
gnomAD v4.1: 99,009 of 1,595,324 alleles (6.2%); highest among the groups gnomAD compares: Middle Eastern, 10%; 3,474 homozygotes.

Submissions (3):

Labcorp Genetics (formerly Invitae), Labcorp
Classification: Benign. Last evaluated: 2026-02-01. Review status: criteria provided, single submitter. Criteria: Invitae Variant Classification Sherloc (09022015). Collection method: clinical testing. Allele origin: germline.

GeneDx
Classification: Benign. Last evaluated: 2015-12-21. Review status: criteria provided, single submitter. Criteria: GeneDx Variant Classification (06012015). Collection method: clinical testing. Allele origin: germline. Affected: yes.
Comment: This variant is considered likely benign or benign based on one or more of the following criteria: it is a conservative change, it occurs at a poorly conserved position in the protein, it is predicted to be benign by multiple in silico algorithms, and/or has population frequency not consistent with disease.

Breakthrough Genomics
Classification: Benign. Review status: criteria provided, single submitter. Criteria: ACMG Guidelines, 2015. Collection method: not provided. Allele origin: germline. Inheritance: Autosomal recessive inheritance. Affected: yes.